The following is an entry in ClinVar:

NM_007144.3(PCGF2):c.430C>T (p.Arg144Trp)

Gene: PCGF2 (polycomb group ring finger 2; minus strand). Cytogenetic location: 17q12.
Variant type: single nucleotide variant.
Coding change: c.430C>T on transcript NM_007144.3 (MANE Select); coding-DNA position 430, C replaced by T.
Protein change: p.Arg144Trp; replaces arginine 144 with tryptophan.
Molecular consequence: missense variant.
Genome position (GRCh38, 1-based): chr17:38,738,591, G>A on the plus strand (C>T on the coding strand, the complement: PCGF2 is on the minus strand). VCF-style: chr17-38738591-G-A. GRCh37 (hg19) VCF-style: chr17-36894844-G-A.
Other names: c.430C>T, p.Arg144Trp (NM_001369614.1, NM_001369615.1); short protein forms R144W.
Identifiers: ClinVar variation 2860661 (VCV002860661.3), dbSNP rs199504647, ClinGen allele CA8524987.

ClinVar aggregate classification (germline): Uncertain significance (1 of 4 stars; one submission).

Allele frequency attached by ClinVar (database versions not stated): gnomAD 0.00003; TOPMed 0.00007; ESP Exome Variant Server 0.00008.
gnomAD v4.1: 105 of 1,571,472 alleles (0.0067%); highest among the groups gnomAD compares: Non-Finnish European, 0.0084%; no homozygotes.

Submission:

Labcorp Genetics (formerly Invitae), Labcorp
Classification: Uncertain significance. Last evaluated: 2025-09-01. Review status: criteria provided, single submitter. Criteria: Invitae Variant Classification Sherloc (09022015). Collection method: clinical testing. Allele origin: germline.
Comment: This sequence change replaces arginine, which is basic and polar, with tryptophan, which is neutral and slightly polar, at codon 144 of the PCGF2 protein (p.Arg144Trp). This variant is present in population databases (rs199504647, gnomAD 0.01%). This variant has not been reported in the literature in individuals affected with PCGF2-related conditions. ClinVar contains an entry for this variant (Variation ID: 2860661). An algorithm developed to predict the effect of missense changes on protein structure and function (PolyPhen-2) suggests that this variant is likely to be tolerated. In summary, the available evidence is currently insufficient to determine the role of this variant in disease. Therefore, it has been classified as a Variant of Uncertain Significance.